The following is an entry in ClinVar:

NM_025114.4(CEP290):c.4111G>T (p.Glu1371Ter)

Gene: CEP290 (centrosomal protein 290; minus strand). Cytogenetic location: 12q21.32.
Variant type: single nucleotide variant.
Coding change: c.4111G>T on transcript NM_025114.4 (MANE Select); coding-DNA position 4111, G replaced by T.
Protein change: p.Glu1371Ter; replaces glutamic acid 1371 with a stop codon.
Molecular consequence: nonsense.
Genome position (GRCh38, 1-based): chr12:88,087,863, C>A on the plus strand (G>T on the coding strand, the complement: CEP290 is on the minus strand). VCF-style: chr12-88087863-C-A. GRCh37 (hg19) VCF-style: chr12-88481640-C-A.
Other names: short protein forms E1371*.
Identifiers: ClinVar variation 5014204 (VCV005014204.1).

ClinVar aggregate classification (germline): Pathogenic (1 of 4 stars; one submission).

Conditions:
CEP290-related ciliopathy. Also called: CEP290 ciliopathy. Identifiers: MedGen CN305601, MONDO:0100451.

gnomAD v4.1: 1 of 1,247,844 alleles (0.00008%); highest among the groups gnomAD compares: African/African-American, 0.0016%; no homozygotes.

Submission:

Myriad Genetics, Inc.
Classification: Pathogenic for CEP290-related ciliopathy. Last evaluated: 2025-03-11. Review status: criteria provided, single submitter. Criteria: Myriad Autosomal Dominant, Autosomal Recessive and X-Linked Classification Criteria (2023). Collection method: clinical testing. Allele origin: unknown.
Comment: NM_025114.3(CEP290):c.4111G>T(E1371*) is expected to be pathogenic in the context of CEP290-related disorders. This variant is predicted to lead to an abnormal or absent protein product due to the creation of a premature termination codon in CEP290, a gene where loss-of-function variants are known to be pathogenic. Please note: this variant was assessed in the context of healthy population screening.